The following is an entry in ClinVar:

NM_000122.2(ERCC3):c.172G>T (p.Ala58Ser)

Gene: ERCC3 (ERCC excision repair 3, TFIIH core complex helicase subunit; minus strand). Cytogenetic location: 2q14.3.
Variant type: single nucleotide variant.
Coding change: c.172G>T on transcript NM_000122.2 (MANE Select); coding-DNA position 172, G replaced by T.
Protein change: p.Ala58Ser; replaces alanine 58 with serine.
Molecular consequence: missense variant. On other transcripts: 5 prime UTR variant (2).
Genome position (GRCh38, 1-based): chr2:127,293,575, C>A on the plus strand (G>T on the coding strand, the complement: ERCC3 is on the minus strand). VCF-style: chr2-127293575-C-A. GRCh37 (hg19) VCF-style: chr2-128051151-C-A.
Other names: c.-21G>T (NM_001303416.2, NM_001303418.2); short protein forms A58S.
Identifiers: ClinVar variation 1677004 (VCV001677004.1), dbSNP rs587778277, ClinGen allele CA348392117.

ClinVar aggregate classification (germline): Uncertain significance (1 of 4 stars; one submission).

Submission:

Women's Health and Genetics/Laboratory Corporation of America, LabCorp
Classification: Uncertain significance. Last evaluated: 2022-03-04. Review status: criteria provided, single submitter. Criteria: LabCorp Variant Classification Summary - May 2015. Collection method: clinical testing. Allele origin: germline.
Comment: Variant summary: ERCC3 c.172G>T (p.Ala58Ser) results in a conservative amino acid change in the encoded protein sequence. Four of five in-silico tools predict a benign effect of the variant on protein function. The variant was absent in 251402 control chromosomes (gnomAD). The available data on variant occurrences in the general population are insufficient to allow any conclusion about variant significance. To our knowledge, no occurrence of c.172G>T in individuals affected with Xeroderma Pigmentosum and no experimental evidence demonstrating its impact on protein function have been reported. No clinical diagnostic laboratories have submitted clinical-significance assessments for this variant to ClinVar after 2014. Based on the evidence outlined above, the variant was classified as uncertain significance.